The following is an entry in ClinVar:

NM_002354.3(EPCAM):c.605A>C (p.Lys202Thr)

Gene: EPCAM (epithelial cell adhesion molecule; plus strand). Cytogenetic location: 2p21.
Variant type: single nucleotide variant.
Coding change: c.605A>C on transcript NM_002354.3 (MANE Select); coding-DNA position 605, A replaced by C.
Protein change: p.Lys202Thr; replaces lysine 202 with threonine.
Molecular consequence: missense variant.
Genome position (GRCh38, 1-based): chr2:47,379,002, A>C. VCF-style: chr2-47379002-A-C. GRCh37 (hg19) VCF-style: chr2-47606141-A-C.
Other names: short protein forms K202T.
Identifiers: ClinVar variation 1751306 (VCV001751306.5), dbSNP rs1294456118, ClinGen allele CA346724191.

ClinVar aggregate classification (germline): Uncertain significance. Review status: criteria provided, multiple submitters, no conflicts (2 of 4 stars). 2 submissions from 2 submitters: Uncertain significance (2). Last evaluated 2025-12-22.

Conditions:
Hereditary cancer-predisposing syndrome. Also called: Neoplastic Syndromes, Hereditary; Tumor predisposition; Hereditary neoplastic syndrome; Hereditary Cancer Syndrome. Identifiers: Orphanet 140162, MedGen C0027672, MeSH D009386, MONDO:0015356.

Allele frequency attached by ClinVar (database versions not stated): gnomAD 0.00001; TOPMed 0.00001; gnomAD exomes 0.00002.
gnomAD v4.1: 32 of 1,606,322 alleles (0.002%); highest among the groups gnomAD compares: Non-Finnish European, 0.0026%; no homozygotes.

Submissions (2):

Dasa
Classification: Uncertain significance. Last evaluated: 2025-12-22. Review status: criteria provided, single submitter. Criteria: DASA Assertion Criteria. Collection method: clinical testing. Allele origin: germline.
Comment: NM_002354.3(EPCAM):c.605A>C (p.Lys202Thr) is a missense variant that results in the substitution of lysine with threonine. This variant is rare in population databases. The currently available literature and clinical evidence are not sufficient to establish a definitive association between this variant and the reported condition. Therefore, this variant is classified as a variant of uncertain significance.

Ambry Genetics
Classification: Uncertain significance for Hereditary cancer-predisposing syndrome. Last evaluated: 2024-09-08. Review status: criteria provided, single submitter. Criteria: Ambry Variant Classification Scheme 2023. Collection method: clinical testing. Allele origin: germline.
Comment: The p.K202T variant (also known as c.605A>C), located in coding exon 6 of the EPCAM gene, results from an A to C substitution at nucleotide position 605. The lysine at codon 202 is replaced by threonine, an amino acid with similar properties. This amino acid position is conserved. In addition, the in silico prediction for this alteration is inconclusive. Since supporting evidence is limited at this time, the clinical significance of this alteration remains unclear.